The following is an entry in ClinVar:

ClinVar aggregate classification (germline): Pathogenic. Review status: criteria provided, multiple submitters, no conflicts (2 of 4 stars). 5 submissions from 5 submitters: Pathogenic (5). Last evaluated 2026-01-26.

Conditions:
DSP-related disorder. Also called: DSP-related condition; DSP-related disorders.
Cardiovascular phenotype. Identifiers: MedGen CN230736.
Familial isolated arrhythmogenic right ventricular dysplasia. Identifiers: Orphanet 217656, MedGen C4274968, MONDO:0016342.
Arrhythmogenic right ventricular dysplasia 8 (ARVD8). Also called: Arrhythmogenic Right Ventricular Dysplasia/Cardiomyopathy 8; ARRHYTHMOGENIC RIGHT VENTRICULAR DYSPLASIA, FAMILIAL, 8; ARRHYTHMOGENIC RIGHT VENTRICULAR CARDIOMYOPATHY 8. Identifiers: MedGen C1843896, MONDO:0011831, OMIM 607450.
Arrhythmogenic cardiomyopathy with wooly hair and keratoderma. Also called: Dilated cardiomyopathy with woolly hair and keratoderma; Carvajal syndrome; Arrhythmogenic cardiomyopathy with woolly hair and keratoderma; PALMOPLANTAR KERATODERMA WITH LEFT VENTRICULAR CARDIOMYOPATHY AND WOOLLY HAIR. Identifiers: Orphanet 65282, MedGen C1854063, MONDO:0011581, OMIM 605676.

Allele frequency attached by ClinVar (database versions not stated): ExAC 0.00001; gnomAD 0.00001; 1000 Genomes Project 30x 0.00016.
gnomAD v4.1: 3 of 1,614,140 alleles (0.00019%); highest among the groups gnomAD compares: African/African-American, 0.0013%; no homozygotes.

Submissions (5):

Women's Health and Genetics/Laboratory Corporation of America, LabCorp
Classification: Pathogenic for Familial isolated arrhythmogenic right ventricular dysplasia. Last evaluated: 2026-01-26. Review status: criteria provided, single submitter. Criteria: LabCorp Variant Classification Summary - May 2015. Collection method: clinical testing. Allele origin: germline.
Comment: Variant summary: DSP c.250C>T (p.Arg84X) results in a premature termination codon, predicted to cause a truncation of the encoded protein or absence of the protein due to nonsense mediated decay, which are commonly known mechanisms for disease. The variant allele was found at a frequency of 1.9e-06 in 1614140 control chromosomes. c.250C>T has been observed in individuals affected with Arrhythmogenic Right Ventricular Dysplasia/Cardiomyopathy (e.g., Augusto_2020, Gasperetti_2024, Josephs_2024). To our knowledge, no experimental evidence demonstrating an impact on protein function has been reported. The following publications have been ascertained in the context of this evaluation (PMID: 31317183, 38938828, 39472908). ClinVar contains an entry for this variant (Variation ID: 451211). Based on the evidence outlined above, the variant was classified as pathogenic.

Ambry Genetics
Classification: Pathogenic for Cardiovascular phenotype. Last evaluated: 2025-07-18. Review status: criteria provided, single submitter. Criteria: Ambry Variant Classification Scheme 2023. Collection method: clinical testing. Allele origin: germline.
Comment: The p.R84* pathogenic mutation (also known as c.250C>T), located in coding exon 2 of the DSP gene, results from a C to T substitution at nucleotide position 250. This changes the amino acid from an arginine to a stop codon within coding exon 2. This variant was reported in a dilated cardiomyopathy cohort (Augusto JB et al. Eur Heart J Cardiovasc Imaging, 2020 03;21:326-336). This alteration is expected to result in loss of function by premature protein truncation or nonsense-mediated mRNA decay. As such, this alteration is interpreted as a disease-causing mutation.

Labcorp Genetics (formerly Invitae), Labcorp
Classification: Pathogenic for Arrhythmogenic cardiomyopathy with wooly hair and keratoderma; Arrhythmogenic right ventricular dysplasia 8. Last evaluated: 2025-07-13. Review status: criteria provided, single submitter. Criteria: Invitae Variant Classification Sherloc (09022015). Collection method: clinical testing. Allele origin: germline.
Comment: This sequence change creates a premature translational stop signal (p.Arg84*) in the DSP gene. It is expected to result in an absent or disrupted protein product. Loss-of-function variants in DSP are known to be pathogenic (PMID: 20716751, 24503780, 25227139). The frequency data for this variant in the population databases is considered unreliable, as metrics indicate poor data quality at this position in the gnomAD database. This premature translational stop signal has been observed in individual(s) with clinical features of dilated cardiomyopathy (PMID: 31317183). ClinVar contains an entry for this variant (Variation ID: 451211). Algorithms developed to predict the effect of sequence changes on RNA splicing suggest that this variant may create or strengthen a splice site. For these reasons, this variant has been classified as Pathogenic.

Blueprint Genetics
Classification: Pathogenic for DSP-related disorders. Last evaluated: 2024-09-13. Review status: criteria provided, single submitter. Criteria: ACMG Guidelines, 2015. Collection method: clinical testing. Allele origin: germline. Affected: yes. Observed: 1 variant allele.

GeneDx
Classification: Pathogenic. Last evaluated: 2024-08-08. Review status: criteria provided, single submitter. Criteria: GeneDx Variant Classification Process June 2021. Collection method: clinical testing. Allele origin: germline. Affected: yes.
Comment: Nonsense variant predicted to result in protein truncation or nonsense mediated decay in a gene for which loss of function is a known mechanism of disease; Not observed at significant frequency in large population cohorts (gnomAD); This variant is associated with the following publications: (PMID: Beti2021[pre-print], 31317183, 36264615, 35300203, 36580316)

Literature cited by the submitters: PubMed 39472908 (cited by Women's Health and Genetics/Laboratory Corporation of America, LabCorp); PubMed 31317183 (cited by 3 submitters); PubMed 38938828 (cited by Women's Health and Genetics/Laboratory Corporation of America, LabCorp); PubMed 20716751 (cited by Labcorp Genetics (formerly Invitae), Labcorp); PubMed 24503780 (cited by Labcorp Genetics (formerly Invitae), Labcorp); PubMed 25227139 (cited by Labcorp Genetics (formerly Invitae), Labcorp).

NM_004415.4(DSP):c.250C>T (p.Arg84Ter)

Gene: DSP (desmoplakin; plus strand). Cytogenetic location: 6p24.3.
Variant type: single nucleotide variant.
Coding change: c.250C>T on transcript NM_004415.4 (MANE Select); coding-DNA position 250, C replaced by T.
Protein change: p.Arg84Ter; replaces arginine 84 with a stop codon.
Molecular consequence: nonsense.
Genome position (GRCh38, 1-based): chr6:7,555,797, C>T. VCF-style: chr6-7555797-C-T. GRCh37 (hg19) VCF-style: chr6-7556030-C-T.
Other names: c.250C>T, p.Arg84Ter (NM_001008844.3, NM_001319034.2); c.250C>T (LRG_423t1); short protein forms R84*.
Identifiers: ClinVar variation 451211 (VCV000451211.18), dbSNP rs768521444, ClinGen allele CA033690.